The following is an entry in ClinVar:

ClinVar aggregate classification (germline): Likely pathogenic (1 of 4 stars; one submission).

Submission:

GeneDx
Classification: Likely pathogenic. Last evaluated: 2025-05-05. Review status: criteria provided, single submitter. Criteria: GeneDx Variant Classification Process June 2021. Collection method: clinical testing. Allele origin: germline.
Comment: Canonical splice site variant predicted to result in an in-frame loss of the adjacent exon in a gene for which loss of function is a known mechanism of disease; Not observed at significant frequency in large population cohorts (gnomAD); This variant is associated with the following publications: (PMID: 24456027, 11112899, 16199547, 25258140)

NM_000062.3(SERPING1):c.551-1G>A

Gene: SERPING1 (serpin family G member 1; plus strand). Cytogenetic location: 11q12.1.
Variant type: single nucleotide variant.
Coding change: c.551-1G>A on transcript NM_000062.3 (MANE Select); the canonical splice acceptor site of the intron before coding-DNA position 551, G replaced by A.
Molecular consequence: splice acceptor variant.
Genome position (GRCh38, 1-based): chr11:57,602,034, G>A. VCF-style: chr11-57602034-G-A. GRCh37 (hg19) VCF-style: chr11-57369507-G-A.
Other names: c.551-1G>A (NM_001032295.2).
Identifiers: ClinVar variation 2430943 (VCV002430943.2), dbSNP rs2135311222, ClinGen allele CA380696627.